The following is an entry in ClinVar:

NM_004655.4(AXIN2):c.2283C>T (p.Ala761=)

Gene: AXIN2 (axin 2; minus strand). Cytogenetic location: 17q24.1.
Variant type: single nucleotide variant.
Coding change: c.2283C>T on transcript NM_004655.4 (MANE Select); coding-DNA position 2283, C replaced by T.
Protein change: p.Ala761=; no amino-acid change (alanine 761 retained).
Molecular consequence: synonymous variant.
Genome position (GRCh38, 1-based): chr17:65,534,034, G>A on the plus strand (C>T on the coding strand, the complement: AXIN2 is on the minus strand). VCF-style: chr17-65534034-G-A. GRCh37 (hg19) VCF-style: chr17-63530152-G-A.
Other names: c.2088C>T, p.Ala696= (NM_001363813.1); c.2283C>T (NM_004655.3).
Identifiers: ClinVar variation 1619175 (VCV001619175.10), dbSNP rs2144419743, ClinGen allele CA501475988.

ClinVar aggregate classification (germline): Benign/Likely benign. Review status: criteria provided, multiple submitters, no conflicts (2 of 4 stars). 3 submissions from 3 submitters: Benign (1); Likely benign (2). Last evaluated 2026-01-14.

Conditions:
Hereditary cancer-predisposing syndrome. Also called: Tumor predisposition; Hereditary Cancer Syndrome; Hereditary neoplastic syndrome; Neoplastic Syndromes, Hereditary. Identifiers: Orphanet 140162, MedGen C0027672, MeSH D009386, MONDO:0015356.
Oligodontia-cancer predisposition syndrome. Also called: TOOTH AGENESIS-COLORECTAL CANCER SYNDROME. Identifiers: Orphanet 300576, MedGen C1837750, MONDO:0012075, OMIM 608615. Disease mechanism: loss of function.

gnomAD v4.1: 3 of 1,614,236 alleles (0.00019%); highest among the groups gnomAD compares: Non-Finnish European, 0.00017%; no homozygotes.

Submissions (3):

Ambry Genetics
Classification: Likely benign for Hereditary cancer-predisposing syndrome. Last evaluated: 2026-01-14. Review status: criteria provided, single submitter. Criteria: Ambry Variant Classification Scheme 2023. Collection method: clinical testing. Allele origin: germline.

Myriad Genetics, Inc.
Classification: Benign for Oligodontia-cancer predisposition syndrome. Last evaluated: 2024-07-10. Review status: criteria provided, single submitter. Criteria: Myriad Autosomal Dominant, Autosomal Recessive and X-Linked Classification Criteria (2023). Collection method: clinical testing. Allele origin: unknown.
Comment: This variant is considered benign. This variant is a silent/synonymous amino acid change and it is not expected to impact splicing.

Labcorp Genetics (formerly Invitae), Labcorp
Classification: Likely benign for Oligodontia-cancer predisposition syndrome. Last evaluated: 2021-11-26. Review status: criteria provided, single submitter. Criteria: Invitae Variant Classification Sherloc (09022015). Collection method: clinical testing. Allele origin: germline.